The following is an entry in ClinVar:

NM_000142.5(FGFR3):c.-103+129C>A

Gene: FGFR3 (fibroblast growth factor receptor 3; plus strand). Cytogenetic location: 4p16.3.
Variant type: single nucleotide variant.
Coding change: c.-103+129C>A on transcript NM_000142.5 (MANE Select); 129 bases into the intron after 103 bases upstream of the start codon, C replaced by A.
Molecular consequence: intron variant.
Genome position (GRCh38, 1-based): chr4:1,793,594, C>A. VCF-style: chr4-1793594-C-A. GRCh37 (hg19) VCF-style: chr4-1795321-C-A.
Other names: c.-103+129C>A (NM_001163213.2, NM_001354809.2, NM_001354810.2 and 1 more transcripts).
Identifiers: ClinVar variation 680176 (VCV000680176.2), dbSNP rs4450996, ClinGen allele CA11714280.

ClinVar aggregate classification (germline): Benign. Review status: criteria provided, multiple submitters, no conflicts (2 of 4 stars). 2 submissions from 2 submitters: Benign (2). Last evaluated 2018-06-14.

Allele frequency attached by ClinVar (database versions not stated): TOPMed 0.57107; 1000 Genomes Project 30x 0.59088; gnomAD 0.59323; 1000 Genomes Project 0.60164; gnomAD exomes 0.73286.
gnomAD v4.1: 88,505 of 149,608 alleles (59%); highest among the groups gnomAD compares: East Asian, 88%; 28,944 homozygotes.

Submissions (2):

GeneDx
Classification: Benign. Last evaluated: 2018-06-14. Review status: criteria provided, single submitter. Criteria: GeneDx Variant Classification (06012015). Collection method: clinical testing. Allele origin: germline. Affected: yes.
Comment: This variant is considered likely benign or benign based on one or more of the following criteria: it is a conservative change, it occurs at a poorly conserved position in the protein, it is predicted to be benign by multiple in silico algorithms, and/or has population frequency not consistent with disease.

Breakthrough Genomics
Classification: Benign. Review status: criteria provided, single submitter. Criteria: ACMG Guidelines, 2015. Collection method: not provided. Allele origin: germline. Inheritance: Autosomal dominant inheritance. Affected: yes.